The following is an entry in ClinVar:

ClinVar aggregate classification (germline): Uncertain significance (1 of 4 stars; one submission).

Submission:

Labcorp Genetics (formerly Invitae), Labcorp
Classification: Uncertain significance. Last evaluated: 2023-11-27. Review status: criteria provided, single submitter. Criteria: Invitae Variant Classification Sherloc (09022015). Collection method: clinical testing. Allele origin: germline.
Comment: This sequence change replaces lysine, which is basic and polar, with glutamic acid, which is acidic and polar, at codon 36 of the TELO2 protein (p.Lys36Glu). This variant is not present in population databases (gnomAD no frequency). This variant has not been reported in the literature in individuals affected with TELO2-related conditions. ClinVar contains an entry for this variant (Variation ID: 1913904). Advanced modeling of protein sequence and biophysical properties (such as structural, functional, and spatial information, amino acid conservation, physicochemical variation, residue mobility, and thermodynamic stability) has been performed at Invitae for this missense variant, however the output from this modeling did not meet the statistical confidence thresholds required to predict the impact of this variant on TELO2 protein function. In summary, the available evidence is currently insufficient to determine the role of this variant in disease. Therefore, it has been classified as a Variant of Uncertain Significance.

NM_016111.4(TELO2):c.106A>G (p.Lys36Glu)

Gene: TELO2 (telomere maintenance 2; plus strand). Cytogenetic location: 16p13.3.
Variant type: single nucleotide variant.
Coding change: c.106A>G on transcript NM_016111.4 (MANE Select); coding-DNA position 106, A replaced by G.
Protein change: p.Lys36Glu; replaces lysine 36 with glutamic acid.
Molecular consequence: missense variant.
Genome position (GRCh38, 1-based): chr16:1,494,387, A>G. VCF-style: chr16-1494387-A-G. GRCh37 (hg19) VCF-style: chr16-1544388-A-G.
Other names: c.106A>G, p.Lys36Glu (NM_001351846.2); short protein forms K36E.
Identifiers: ClinVar variation 1913904 (VCV001913904.5), dbSNP rs2505901854, ClinGen allele CA394205326.
Genomic context (GRCh38, chr16:1,494,387, plus strand): 5'-ATTCATGCCCTCTCGTCTTCGGAGGATGGCGGCCACATCTTCTGCACCCTGGAGTCCCTG[A>G]AGCGGTATCTCGGTGAGATGGAGCCTCCAGCGCTCCCGAGGGAGAAGGAGGAGTTTGCCT-3'
Protein context (NP_057195.2, residues 26-46): GHIFCTLESL[Lys36Glu]RYLGEMEPPA